The following is an entry in ClinVar:

NM_020778.5(ALPK3):c.4427A>G (p.Asn1476Ser)

Gene: ALPK3 (alpha kinase 3; plus strand). Cytogenetic location: 15q25.3.
Variant type: single nucleotide variant.
Coding change: c.4427A>G on transcript NM_020778.5 (MANE Select); coding-DNA position 4427, A replaced by G.
Protein change: p.Asn1476Ser; replaces asparagine 1476 with serine.
Molecular consequence: missense variant.
Genome position (GRCh38, 1-based): chr15:84,863,568, A>G. VCF-style: chr15-84863568-A-G. GRCh37 (hg19) VCF-style: chr15-85406799-A-G.
Other names: short protein forms N1476S.
Identifiers: ClinVar variation 1744909 (VCV001744909.2), dbSNP rs2505728367, ClinGen allele CA393363675.

ClinVar aggregate classification (germline): Uncertain significance (1 of 4 stars; one submission).

Conditions:
Cardiovascular phenotype. Identifiers: MedGen CN230736.

Submission:

Ambry Genetics
Classification: Uncertain significance for Cardiovascular phenotype. Last evaluated: 2022-01-26. Review status: criteria provided, single submitter. Criteria: Ambry Variant Classification Scheme 2023. Collection method: clinical testing. Allele origin: germline.
Comment: The p.N1678S variant (also known as c.5033A>G), located in coding exon 11 of the ALPK3 gene, results from an A to G substitution at nucleotide position 5033. The asparagine at codon 1678 is replaced by serine, an amino acid with highly similar properties. This amino acid position is conserved. In addition, this alteration is predicted to be tolerated by in silico analysis. Since supporting evidence is limited at this time, the clinical significance of this alteration remains unclear.